The following is an entry in ClinVar:

NM_002185.5(IL7R):c.778G>A (p.Ala260Thr)

Gene: IL7R (interleukin 7 receptor; plus strand). Cytogenetic location: 5p13.2.
Variant type: single nucleotide variant.
Coding change: c.778G>A on transcript NM_002185.5 (MANE Select); coding-DNA position 778, G replaced by A.
Protein change: p.Ala260Thr; replaces alanine 260 with threonine.
Molecular consequence: missense variant.
Genome position (GRCh38, 1-based): chr5:35,874,520, G>A. VCF-style: chr5-35874520-G-A. GRCh37 (hg19) VCF-style: chr5-35874622-G-A.
Other names: NM_002185.5(IL7R):c.778G>A; p.Ala260Thr; c.778G>A (LRG_74t1); short protein forms A260T.
Identifiers: ClinVar variation 418258 (VCV000418258.25), dbSNP rs147153824, ClinGen allele CA3232088.

ClinVar aggregate classification (germline): Likely benign. Review status: reviewed by expert panel (3 of 4 stars). 9 submissions from 9 submitters: Likely benign (1). 8 of the submissions do not count toward it. Last evaluated 2023-11-14.

Conditions:
IL7R-related disorder. Also called: IL7R-related condition.
Inborn genetic diseases. Identifiers: MedGen C0950123, MeSH D030342.
Immunodeficiency 104. Also called: SCID, AUTOSOMAL RECESSIVE, T CELL-NEGATIVE, B CELL-POSITIVE, NK CELL-POSITIVE; IMMUNODEFICIENCY 104, SEVERE COMBINED; Severe combined immunodeficiency, autosomal recessive, T cell-negative, B cell-positive, NK cell-positive; Severe Combined Immune Deficiency, Autosomal Recessive, TCell -Negative, B Cell-Positive, NK Cell-Positive, IL7R-Related. Identifiers: MedGen C5676890, MONDO:0012163, OMIM 608971.

Allele frequency attached by ClinVar (database versions not stated): gnomAD exomes 0.00012 and 0.00032; ExAC 0.00044; 1000 Genomes Project 30x 0.00078; 1000 Genomes Project 0.00080; gnomAD 0.00130 and 0.00144; TOPMed 0.00165; ESP Exome Variant Server 0.00208.
gnomAD v4.1: 382 of 1,613,046 alleles (0.024%); highest among the groups gnomAD compares: African/African-American, 0.47%; no homozygotes.

Submissions (9):

ClinGen Severe Combined Immunodeficiency Variant Curation Expert Panel, ClinGen
Classification: Likely benign for Immunodeficiency 104. Last evaluated: 2023-11-14. Review status: reviewed by expert panel. Criteria: ClinGen SCID ACMG Specifications IL7R V1.0.0. Collection method: curation. Allele origin: germline. Inheritance: Autosomal recessive inheritance.
Comment: The c.778G>A (NM_002185.5) variant in IL7R is a missense variant predicted to cause substitution of Alanine by Threonine at amino acid 260 (p.Ala260Thr). The filtering allele frequency (the lower threshold of the 95% CI of 115/24962) of the c.778G>A variant in IL7R is 0.003885 in exomes and 0.003267 in genomes (no homozygous reported) for African/African American chromosomes by gnomAD v2.1.1. Both values are higher than the ClinGen SCID VCEP threshold (0.00126) for BS1 and therefore meet this criterion (BS1). The variant has not been identified in the literature. In summary, this variant meets the criteria to be classified as Likely Benign for autosomal recessive SCID based on the ACMG/AMP criteria applied, as specified by the ClinGen SCID VCEP. Criteria applied: BS1. (VCEP specifications version 1).

PreventionGenetics, part of Exact Sciences
Classification: Likely benign for IL7R-related condition. Last evaluated: 2026-09-22. Review status: criteria provided, single submitter. Criteria: ACMG Guidelines, 2015. Collection method: clinical testing. Allele origin: germline. Not counted in ClinVar's aggregate classification.
Comment: This variant is classified as likely benign based on ACMG/AMP sequence variant interpretation guidelines (Richards et al. 2015 PMID: 25741868, with internal and published modifications).

Women's Health and Genetics/Laboratory Corporation of America, LabCorp
Classification: Likely benign. Last evaluated: 2026-04-08. Review status: criteria provided, single submitter. Criteria: LabCorp Variant Classification Summary - May 2015. Collection method: clinical testing. Allele origin: germline. Not counted in ClinVar's aggregate classification.
Comment: Variant summary: IL7R c.778G>A (p.Ala260Thr) results in a non-conservative amino acid change in the encoded protein sequence. Algorithms developed to predict the effect of missense changes on protein structure and function are either unavailable or do not agree on the potential impact of this missense change. The variant allele was found at a frequency of 0.00032 in 251396 control chromosomes, predominantly at a frequency of 0.0047 within the African or African-American subpopulation in the gnomAD database. The observed variant frequency within African or African-American control individuals in the gnomAD database exceeds the estimated maximal expected allele frequency for disease-causing variants in IL7R. To our knowledge, no occurrence of c.778G>A in individuals affected with IL7R-related conditions and no experimental evidence demonstrating its impact on protein function have been reported. ClinVar contains an entry for this variant (Variation ID: 418258). Based on the evidence outlined above, the variant was classified as likely benign.

Ambry Genetics
Classification: Uncertain significance for Inborn genetic diseases. Last evaluated: 2026-02-16. Review status: criteria provided, single submitter. Criteria: Ambry Variant Classification Scheme 2023. Collection method: clinical testing. Allele origin: germline. Not counted in ClinVar's aggregate classification.

Labcorp Genetics (formerly Invitae), Labcorp
Classification: Likely benign for Immunodeficiency 104. Last evaluated: 2026-02-01. Review status: criteria provided, single submitter. Criteria: Invitae Variant Classification Sherloc (09022015). Collection method: clinical testing. Allele origin: germline. Not counted in ClinVar's aggregate classification.

Blueprint Genetics
Classification: Uncertain significance. Last evaluated: 2024-07-04. Review status: criteria provided, single submitter. Criteria: ACMG Guidelines, 2015. Collection method: clinical testing. Allele origin: germline. Not counted in ClinVar's aggregate classification.

Center for Genomics, Ann and Robert H. Lurie Children's Hospital of Chicago
Classification: Uncertain significance for Immunodeficiency 104. Last evaluated: 2021-03-30. Review status: criteria provided, single submitter. Criteria: ACMG Guidelines, 2015. Collection method: clinical testing. Allele origin: germline. Not counted in ClinVar's aggregate classification.
Comment: IL7R NM_002185.4 exon 6 p.Ala260Thr (c.778G>A): This variant has not been reported in the literature but is present in 0.4% (115/24962) of African alleles in the Genome Aggregation Database. This variant is present in ClinVar (Variation ID:418258). This variant amino acid Threonine (Thr) is present in 5 species (Chinese hamster, Golden hamster, Elephant, Elephant shrew, Manatee) and is not well conserved among evolutionarily distant species; this suggests that this variant may not impact the protein. Additional computational prediction tools do not suggest an impact. In summary, data on this variant is insufficient for disease classification. Therefore, the clinical significance of this variant is uncertain.

GeneDx
Classification: Uncertain significance. Last evaluated: 2019-08-12. Review status: criteria provided, single submitter. Criteria: GeneDx Variant Classification Process June 2021. Collection method: clinical testing. Allele origin: germline. Affected: yes. Not counted in ClinVar's aggregate classification.
Comment: In silico analysis, which includes protein predictors and evolutionary conservation, supports that this variant does not alter protein structure/function; Has not been previously published as pathogenic or benign to our knowledge

Illumina Laboratory Services, Illumina
Classification: Likely benign for Immunodeficiency 104. Last evaluated: 2018-01-12. Review status: criteria provided, single submitter. Criteria: ICSL Variant Classification Criteria 13 December 2019. Collection method: clinical testing. Allele origin: germline. Not counted in ClinVar's aggregate classification.
Comment: This variant was observed in the ICSL laboratory as part of a predisposition screen in an ostensibly healthy population. It had not been previously curated by ICSL or reported in the Human Gene Mutation Database (HGMD: prior to June 1st, 2018), and was therefore a candidate for classification through an automated scoring system. Utilizing variant allele frequency, disease prevalence and penetrance estimates, and inheritance mode, an automated score was calculated to assess if this variant is too frequent to cause the disease. Based on the score and internal cut-off values, a variant classified as likely benign is not then subjected to further curation. The score for this variant resulted in a classification of likely benign for this disease.